The following is an entry in ClinVar:

ClinVar aggregate classification (germline): Uncertain significance. Review status: criteria provided, multiple submitters, no conflicts (2 of 4 stars). 3 submissions from 3 submitters: Uncertain significance (3). Last evaluated 2025-04-14.

Conditions:
Cardiovascular phenotype. Identifiers: MedGen CN230736.

Allele frequency attached by ClinVar (database versions not stated): gnomAD exomes below 0.00001.
gnomAD v4.1: 2 of 1,613,750 alleles (0.00012%); highest among the groups gnomAD compares: Admixed American, 0.0017%; no homozygotes.

Submissions (3):

Ambry Genetics
Classification: Uncertain significance for Cardiovascular phenotype. Last evaluated: 2025-04-14. Review status: criteria provided, single submitter. Criteria: Ambry Variant Classification Scheme 2023. Collection method: clinical testing. Allele origin: germline.
Comment: The p.S374T variant (also known as c.1120T>A), located in coding exon 8 of the TBX20 gene, results from a T to A substitution at nucleotide position 1120. The serine at codon 374 is replaced by threonine, an amino acid with similar properties. This amino acid position is conserved. In addition, the in silico prediction for this alteration is inconclusive. Based on the available evidence, the clinical significance of this variant remains unclear.

Blueprint Genetics
Classification: Uncertain significance. Last evaluated: 2024-11-04. Review status: criteria provided, single submitter. Criteria: ACMG Guidelines, 2015. Collection method: clinical testing. Allele origin: germline.

GeneDx
Classification: Uncertain significance. Last evaluated: 2022-11-01. Review status: criteria provided, single submitter. Criteria: GeneDx Variant Classification Process June 2021. Collection method: clinical testing. Allele origin: germline. Affected: yes.
Comment: Has not been previously published as pathogenic or benign to our knowledge; Not observed at significant frequency in large population cohorts (gnomAD); In silico analysis supports that this missense variant does not alter protein structure/function

NM_001077653.2(TBX20):c.1120T>A (p.Ser374Thr)

Gene: TBX20 (T-box transcription factor 20; minus strand). Cytogenetic location: 7p14.2.
Variant type: single nucleotide variant.
Coding change: c.1120T>A on transcript NM_001077653.2 (MANE Select); coding-DNA position 1120, T replaced by A.
Protein change: p.Ser374Thr; replaces serine 374 with threonine.
Molecular consequence: missense variant.
Genome position (GRCh38, 1-based): chr7:35,202,654, A>T on the plus strand (T>A on the coding strand, the complement: TBX20 is on the minus strand). VCF-style: chr7-35202654-A-T. GRCh37 (hg19) VCF-style: chr7-35242266-A-T.
Other names: short protein forms S374T.
Identifiers: ClinVar variation 2500497 (VCV002500497.3), dbSNP rs1225322188, ClinGen allele CA367263172.